The following is an entry in ClinVar:

NM_032043.3(BRIP1):c.962A>G (p.Asp321Gly)

Gene: BRIP1 (BRCA1 interacting DNA helicase 1; minus strand). Cytogenetic location: 17q23.2.
Variant type: single nucleotide variant.
Coding change: c.962A>G on transcript NM_032043.3 (MANE Select); coding-DNA position 962, A replaced by G.
Protein change: p.Asp321Gly; replaces aspartic acid 321 with glycine.
Molecular consequence: missense variant.
Genome position (GRCh38, 1-based): chr17:61,801,431, T>C on the plus strand (A>G on the coding strand, the complement: BRIP1 is on the minus strand). VCF-style: chr17-61801431-T-C. GRCh37 (hg19) VCF-style: chr17-59878792-T-C.
Other names: short protein forms D321G.
Identifiers: ClinVar variation 1489264 (VCV001489264.9), dbSNP rs2077992652, ClinGen allele CA400484229.

ClinVar aggregate classification (germline): Uncertain significance. Review status: criteria provided, multiple submitters, no conflicts (2 of 4 stars). 2 submissions from 2 submitters: Uncertain significance (2). Last evaluated 2025-01-03.

Conditions:
Hereditary cancer-predisposing syndrome. Also called: Neoplastic Syndromes, Hereditary; Tumor predisposition; Hereditary neoplastic syndrome; Hereditary Cancer Syndrome. Identifiers: Orphanet 140162, MedGen C0027672, MeSH D009386, MONDO:0015356.
Fanconi anemia complementation group J. Also called: BRIP1-Related Fanconi Anemia. Identifiers: Orphanet 84, MedGen C1836860, MONDO:0012187, OMIM 609054.
Familial cancer of breast. Also called: BREAST CANCER, FAMILIAL; Hereditary breast cancer; hereditary breast carcinoma. Identifiers: Orphanet 227535, MedGen C0346153, MONDO:0016419, OMIM 114480. Disease mechanism: loss of function.

Submissions (2):

Ambry Genetics
Classification: Uncertain significance for Hereditary cancer-predisposing syndrome. Last evaluated: 2025-01-03. Review status: criteria provided, single submitter. Criteria: Ambry Variant Classification Scheme 2023. Collection method: clinical testing. Allele origin: germline.
Comment: The p.D321G variant (also known as c.962A>G), located in coding exon 7 of the BRIP1 gene, results from an A to G substitution at nucleotide position 962. The aspartic acid at codon 321 is replaced by glycine, an amino acid with similar properties. This amino acid position is conserved. In addition, this alteration is predicted to be tolerated by in silico analysis. Since supporting evidence is limited at this time, the clinical significance of this alteration remains unclear.

Labcorp Genetics (formerly Invitae), Labcorp
Classification: Uncertain significance for Familial cancer of breast; Fanconi anemia complementation group J. Last evaluated: 2024-05-08. Review status: criteria provided, single submitter. Criteria: Invitae Variant Classification Sherloc (09022015). Collection method: clinical testing. Allele origin: germline.
Comment: This sequence change replaces aspartic acid, which is acidic and polar, with glycine, which is neutral and non-polar, at codon 321 of the BRIP1 protein (p.Asp321Gly). This variant is not present in population databases (gnomAD no frequency). This variant has not been reported in the literature in individuals affected with BRIP1-related conditions. ClinVar contains an entry for this variant (Variation ID: 1489264). Advanced modeling of protein sequence and biophysical properties (such as structural, functional, and spatial information, amino acid conservation, physicochemical variation, residue mobility, and thermodynamic stability) performed at Invitae indicates that this missense variant is not expected to disrupt BRIP1 protein function with a negative predictive value of 80%. In summary, the available evidence is currently insufficient to determine the role of this variant in disease. Therefore, it has been classified as a Variant of Uncertain Significance.